The following is an entry in ClinVar:

NM_017654.4(SAMD9):c.3548C>G (p.Pro1183Arg)

Gene: SAMD9 (sterile alpha motif domain containing 9; minus strand). Cytogenetic location: 7q21.2.
Variant type: single nucleotide variant.
Coding change: c.3548C>G on transcript NM_017654.4 (MANE Select); coding-DNA position 3548, C replaced by G.
Protein change: p.Pro1183Arg; replaces proline 1183 with arginine.
Molecular consequence: missense variant.
Genome position (GRCh38, 1-based): chr7:93,102,550, G>C on the plus strand (C>G on the coding strand, the complement: SAMD9 is on the minus strand). VCF-style: chr7-93102550-G-C. GRCh37 (hg19) VCF-style: chr7-92731863-G-C.
Other names: c.3548C>G, p.Pro1183Arg (NM_001193307.2); short protein forms P1183R.
Identifiers: ClinVar variation 4629914 (VCV004629914.1).

ClinVar aggregate classification (germline): Uncertain significance (1 of 4 stars; one submission).

Conditions:
Inborn genetic diseases. Identifiers: MedGen C0950123, MeSH D030342.

Submission:

Ambry Genetics
Classification: Uncertain significance for Inborn genetic diseases. Last evaluated: 2025-11-02. Review status: criteria provided, single submitter. Criteria: Ambry Variant Classification Scheme 2023. Collection method: clinical testing. Allele origin: germline.
Comment: The p.P1183R variant (also known as c.3548C>G), located in coding exon 1 of the SAMD9 gene, results from a C to G substitution at nucleotide position 3548. The proline at codon 1183 is replaced by arginine, an amino acid with dissimilar properties. This amino acid position is conserved. In addition, this alteration is predicted to be tolerated by in silico analysis. Based on the available evidence, the clinical significance of this variant remains unclear.